The following is an entry in ClinVar:

NM_000090.4(COL3A1):c.842C>A (p.Pro281His)

Gene: COL3A1 (collagen type III alpha 1 chain; plus strand). Cytogenetic location: 2q32.2.
Variant type: single nucleotide variant.
Coding change: c.842C>A on transcript NM_000090.4 (MANE Select); coding-DNA position 842, C replaced by A.
Protein change: p.Pro281His; replaces proline 281 with histidine.
Molecular consequence: missense variant.
Genome position (GRCh38, 1-based): chr2:188,991,047, C>A. VCF-style: chr2-188991047-C-A. GRCh37 (hg19) VCF-style: chr2-189855773-C-A.
Other names: p.P281H:CCT>CAT; short protein forms P281H.
Identifiers: ClinVar variation 199714 (VCV000199714.23), dbSNP rs794728039, ClinGen allele CA007510.

ClinVar aggregate classification (germline): Uncertain significance. Review status: criteria provided, multiple submitters, no conflicts (2 of 4 stars). 7 submissions from 7 submitters: Uncertain significance (7). Last evaluated 2025-12-11.

Conditions:
Polymicrogyria with or without vascular-type Ehlers-Danlos syndrome. Identifiers: Orphanet 636941, MedGen C5193040, MONDO:0032688, OMIM 618343.
Ehlers-Danlos syndrome, type 4 (EDSVASC). Also called: Ehlers-Danlos syndrome vascular type; Ehlers Danlos syndrome, ecchymotic type; Ehlers Danlos syndrome, arterial type; Ehlers Danlos syndrome, Sack-Barabas type; Ehlers-Danlos Syndrome Type IV. Identifiers: Orphanet 286, MedGen C0268338, MONDO:0017314, OMIM 130050.
Familial thoracic aortic aneurysm and aortic dissection (TAAD). Also called: Thoracic aortic aneurysms and dissections. Identifiers: Orphanet 91387, MedGen C4707243, MONDO:0019625.

Allele frequency attached by ClinVar (database versions not stated): TOPMed below 0.00001.
gnomAD v4.1: 12 of 1,613,116 alleles (0.00074%); highest among the groups gnomAD compares: Non-Finnish European, 0.00085%; no homozygotes.

Submissions (7):

Color Diagnostics, LLC DBA Color Health
Classification: Uncertain significance for Familial thoracic aortic aneurysm and aortic dissection. Last evaluated: 2025-12-11. Review status: criteria provided, single submitter. Criteria: ACMG Guidelines, 2015. Collection method: clinical testing. Allele origin: germline.
Comment: This missense variant replaces proline with histidine at codon 281 of the COL3A1 protein. Computational prediction is inconclusive regarding the impact of this variant on protein structure and function. To our knowledge, functional studies have not been reported for this variant. This variant has not been reported in individuals affected with COL3A1-related disorders in the literature. This variant has been identified in 12/1613116 chromosomes in the general population by the Genome Aggregation Database (gnomAD). The available evidence is insufficient to determine the role of this variant in disease conclusively. Therefore, this variant is classified as a Variant of Uncertain Significance.

Victorian Clinical Genetics Services, Murdoch Childrens Research Institute
Classification: Uncertain significance for Ehlers-Danlos syndrome, type 4. Last evaluated: 2025-07-17. Review status: criteria provided, single submitter. Criteria: ACMG Guidelines, 2015. Collection method: clinical testing. Allele origin: germline. Affected: yes.
Comment: This variant is classified as VUS-3B. Evidence in support of pathogenic classification: Variant is present in gnomAD <0.01 (v4: 12 heterozygote(s), 0 homozygote(s)). Additional information: Variant is predicted to result in a missense amino acid change from proline to histidine; This variant is heterozygous; This gene is associated with both recessive and dominant disease. There is currently no genotype-phenotype correlation between autosomal dominant Ehlers-Danlos syndrome, vascular type (MIM#130050), and autosomal recessive polymicrogyria with or without vascular-type EDS (MIM#618343); Multiple alternative amino acid changes at the same position have been observed in gnomAD (v4; highest allele count: 2 heterozygote(s), 0 homozygote(s)); Previous evidence of pathogenicity for this variant is inconclusive. This variant has been classified as a VUS by multiple clinical laboratories (ClinVar); No published segregation evidence has been identified for this variant; No published functional evidence has been identified for this variant; Another missense variant comparable to the one identified in this case has inconclusive previous evidence for pathogenicity. The p.(Pro281Ala) variant has been classified as a VUS by multiple clinical laboratories (ClinVar); Variant is not located in an established domain, motif, hotspot or informative constraint region; Missense variant with an inconclusive in silico prediction and uninformative conservation; Dominant negative and loss of function are known mechanisms of disease in this gene. Dominant-negative is due to missense variants affecting glycine residues in the Gly-X-Y repeat within the triple helical region, while loss-of-function is due to null alleles (PMID: 29346445); Variants in this gene are known to have variable expressivity (PMID: 20301667).

Labcorp Genetics (formerly Invitae), Labcorp
Classification: Uncertain significance for Ehlers-Danlos syndrome, type 4. Last evaluated: 2024-11-07. Review status: criteria provided, single submitter. Criteria: Invitae Variant Classification Sherloc (09022015). Collection method: clinical testing. Allele origin: germline.
Comment: This sequence change replaces proline, which is neutral and non-polar, with histidine, which is basic and polar, at codon 281 of the COL3A1 protein (p.Pro281His). This variant is not present in population databases (gnomAD no frequency). This variant has not been reported in the literature in individuals affected with COL3A1-related conditions. ClinVar contains an entry for this variant (Variation ID: 199714). Invitae Evidence Modeling of protein sequence and biophysical properties (such as structural, functional, and spatial information, amino acid conservation, physicochemical variation, residue mobility, and thermodynamic stability) indicates that this missense variant is not expected to disrupt COL3A1 protein function with a negative predictive value of 95%. In summary, the available evidence is currently insufficient to determine the role of this variant in disease. Therefore, it has been classified as a Variant of Uncertain Significance.

All of Us Research Program, National Institutes of Health
Classification: Uncertain significance for Ehlers-Danlos syndrome, type 4. Last evaluated: 2024-09-23. Review status: criteria provided, single submitter. Criteria: ACMG Guidelines, 2015. Collection method: clinical testing. Allele origin: germline. Inheritance: Autosomal dominant inheritance. Observed: 2 variant alleles, 2 heterozygotes.
Comment: This missense variant replaces proline with histidine at codon 281 of the COL3A1 protein. Computational prediction is inconclusive regarding the impact of this variant on protein structure and function (internally defined REVEL score threshold 0.5 < inconclusive < 0.7, PMID: 27666373). To our knowledge, functional studies have not been reported for this variant. This variant has not been reported in individuals affected with cardiovascular disorders in the literature. This variant has not been identified in the general population by the Genome Aggregation Database (gnomAD). The available evidence is insufficient to determine the role of this variant in disease conclusively. Therefore, this variant is classified as a Variant of Uncertain Significance.

This study involves interpretation of variants in research participants for the purpose of population health screening. Participant phenotype was not available at the time of variant classification. Additional details can be found in publication PMID: 35346344, PMCID: PMC8962531

Ambry Genetics
Classification: Uncertain significance for Familial thoracic aortic aneurysm and aortic dissection. Last evaluated: 2023-08-08. Review status: criteria provided, single submitter. Criteria: Ambry Variant Classification Scheme 2023. Collection method: clinical testing. Allele origin: germline.
Comment: The p.P281H variant (also known as c.842C>A), located in coding exon 11 of the COL3A1 gene, results from a C to A substitution at nucleotide position 842. The proline at codon 281 is replaced by histidine, an amino acid with similar properties. This amino acid position is well conserved in available vertebrate species. In addition, the in silico prediction for this alteration is inconclusive. Since supporting evidence is limited at this time, the clinical significance of this alteration remains unclear.

GeneDx
Classification: Uncertain significance. Last evaluated: 2023-03-27. Review status: criteria provided, single submitter. Criteria: GeneDx Variant Classification Process June 2021. Collection method: clinical testing. Allele origin: germline. Affected: yes.
Comment: Has not been previously published as pathogenic or benign to our knowledge; Not observed at significant frequency in large population cohorts (gnomAD); In silico analysis, which includes protein predictors and evolutionary conservation, supports a deleterious effect; Occurs in the triple helical domain at the Y position in the canonical Gly-X-Y repeat. Although this variant may have an effect on normal protein folding and function, missense substitution at the Y position is not a common mechanism of disease (HGMD)

Fulgent Genetics
Classification: Uncertain significance for Ehlers-Danlos syndrome, type 4; Polymicrogyria with or without vascular-type Ehlers-Danlos syndrome. Last evaluated: 2021-08-03. Review status: criteria provided, single submitter. Criteria: ACMG Guidelines, 2015. Collection method: clinical testing. Allele origin: unknown.

Literature cited by the submitters: PubMed 29346445 (cited by Victorian Clinical Genetics Services, Murdoch Childrens Research Institute); PubMed 20301667 (cited by Victorian Clinical Genetics Services, Murdoch Childrens Research Institute).